The following is an entry in ClinVar:

NM_000718.4(CACNA1B):c.6382del (p.Tyr2128fs)

Gene: CACNA1B (calcium voltage-gated channel subunit alpha1 B; plus strand). Cytogenetic location: 9q34.3.
Variant type: Deletion.
Coding change: c.6382del on transcript NM_000718.4 (MANE Select); coding-DNA position 6382, one base deleted (T; older notation c.6382delT).
Protein change: p.Tyr2128fs; shifts the reading frame from tyrosine 2128.
Molecular consequence: frameshift variant.
Genome position (GRCh38, 1-based): chr9:138,120,774, T deleted. VCF-style (leftmost placement, unchanged base first): chr9-138120773-CT-C. GRCh37 (hg19) VCF-style: chr9-141015225-CT-C.
Other names: c.6382del, p.Tyr2128fs (NM_001243812.2); short protein forms Y2128fs.
Identifiers: ClinVar variation 3370251 (VCV003370251.2).

ClinVar aggregate classification (germline): Uncertain significance (1 of 4 stars; one submission).

Submission:

GeneDx
Classification: Uncertain significance. Last evaluated: 2026-10-15. Review status: criteria provided, single submitter. Criteria: GeneDx Variant Classification Process June 2021. Collection method: clinical testing. Allele origin: germline.
Comment: Not observed at significant frequency in large population cohorts (gnomAD); Has not been previously published as pathogenic or benign to our knowledge; Frameshift variant predicted to result in abnormal protein length as the last 212 amino acid(s) are replaced with 40 different amino acid(s) with an unclear effect on protein function